The following is an entry in ClinVar:

NM_018451.5(CPAP):c.1248T>C (p.Asp416=)

Gene: CPAP (centrosome assembly and centriole elongation protein; minus strand). Cytogenetic location: 13q12.13.
Variant type: single nucleotide variant.
Coding change: c.1248T>C on transcript NM_018451.5 (MANE Select); coding-DNA position 1248, T replaced by C.
Protein change: p.Asp416=; no amino-acid change (aspartic acid 416 retained).
Molecular consequence: synonymous variant. On other transcripts: non-coding transcript variant (2).
Genome position (GRCh38, 1-based): chr13:24,906,790, A>G on the plus strand (T>C on the coding strand, the complement: CPAP is on the minus strand). VCF-style: chr13-24906790-A-G. GRCh37 (hg19) VCF-style: chr13-25480928-A-G.
Identifiers: ClinVar variation 881756 (VCV000881756.17), dbSNP rs542731735, ClinGen allele CA6919788.

ClinVar aggregate classification (germline): Conflicting classifications of pathogenicity. Review status: criteria provided, conflicting classifications (1 of 4 stars). 4 submissions from 3 submitters: Uncertain significance (2); Likely benign (2). Last evaluated 2025-04-01.

Conditions:
Microcephaly 6, primary, autosomal recessive. Identifiers: Orphanet 2512, MedGen C1842109, MONDO:0012029, OMIM 608393.
Seckel syndrome 4 (SCKL4). Identifiers: Orphanet 808, MedGen C3888212, MONDO:0013358, OMIM 613676.

Allele frequency attached by ClinVar (database versions not stated): gnomAD 0.00001 and 0.00003; ExAC 0.00004; gnomAD exomes 0.00007; TOPMed 0.00007.
gnomAD v4.1: 27 of 1,614,194 alleles (0.0017%); highest among the groups gnomAD compares: East Asian, 0.047%; no homozygotes.

Submissions (4):

CeGaT Center for Human Genetics Tuebingen
Classification: Likely benign. Last evaluated: 2025-04-01. Review status: criteria provided, single submitter. Criteria: CeGaT Center For Human Genetics Tuebingen Variant Classification Criteria Version 2. Collection method: clinical testing. Allele origin: germline. Affected: yes. Observed: 1 variant allele.
Comment: CPAP: BP4, BP7

Labcorp Genetics (formerly Invitae), Labcorp
Classification: Likely benign. Last evaluated: 2023-12-01. Review status: criteria provided, single submitter. Criteria: Invitae Variant Classification Sherloc (09022015). Collection method: clinical testing. Allele origin: germline.

Illumina Laboratory Services, Illumina
Classification: Uncertain significance for Seckel syndrome 4. Last evaluated: 2018-01-13. Review status: criteria provided, single submitter. Criteria: ICSL Variant Classification Criteria 13 December 2019. Collection method: clinical testing. Allele origin: germline.

Illumina Laboratory Services, Illumina
Classification: Uncertain significance for Microcephaly 6, primary, autosomal recessive. Last evaluated: 2018-01-13. Review status: criteria provided, single submitter. Criteria: ICSL Variant Classification Criteria 13 December 2019. Collection method: clinical testing. Allele origin: germline.